The following is an entry in ClinVar:

ClinVar aggregate classification (germline): Conflicting classifications of pathogenicity. Review status: criteria provided, conflicting classifications (1 of 4 stars). 4 submissions from 4 submitters: Uncertain significance (2); Likely benign (2). Last evaluated 2025-01-18.

Conditions:
Inborn genetic diseases. Identifiers: MedGen C0950123, MeSH D030342.
PKD1-related disorder. Also called: PKD1-related condition.
Polycystic kidney disease, adult type (PKD1). Also called: Polycystic Kidney Disease 1, Autosomal Dominant; Polycystic kidney disease 1; Polycystic kidney disease 1, severe; POLYCYSTIC KIDNEY DISEASE, ADULT, TYPE I; Polycystic Kidney, Autosomal Dominant; POLYCYSTIC KIDNEY DISEASE 1 WITH OR WITHOUT POLYCYSTIC LIVER DISEASE. Identifiers: MedGen C3149841, MONDO:0008263, OMIM 173900.

Allele frequency attached by ClinVar (database versions not stated): gnomAD 0.00005; TOPMed 0.00007; ExAC 0.00009.
gnomAD v4.1: 59 of 1,604,044 alleles (0.0037%); highest among the groups gnomAD compares: African/African-American, 0.019%; no homozygotes.

Submissions (4):

Ambry Genetics
Classification: Uncertain significance for Inborn genetic diseases. Last evaluated: 2025-01-18. Review status: criteria provided, single submitter. Criteria: Ambry Variant Classification Scheme 2023. Collection method: clinical testing. Allele origin: germline.

Blueprint Genetics
Classification: Likely benign. Last evaluated: 2024-11-15. Review status: criteria provided, single submitter. Criteria: ACMG Guidelines, 2015. Collection method: clinical testing. Allele origin: germline.

Fulgent Genetics
Classification: Likely benign for Polycystic kidney disease, adult type. Last evaluated: 2024-05-29. Review status: criteria provided, single submitter. Criteria: ACMG Guidelines, 2015. Collection method: clinical testing. Allele origin: germline.

PreventionGenetics, part of Exact Sciences
Classification: Uncertain significance for PKD1-related condition. Last evaluated: 2023-08-16. Review status: criteria provided, single submitter. Criteria: ACMG Guidelines, 2015. Collection method: clinical testing. Allele origin: germline.
Comment: The PKD1 c.6227C>T variant is predicted to result in the amino acid substitution p.Ser2076Leu. To our knowledge, this variant has not been reported in the literature. This variant is reported in 0.032% of alleles in individuals of East Asian descent in gnomAD. At this time, the clinical significance of this variant is uncertain due to the absence of conclusive functional and genetic evidence.

NM_001009944.3(PKD1):c.6227C>T (p.Ser2076Leu)

Gene: PKD1 (polycystin 1, transient receptor potential channel interacting; minus strand). Cytogenetic location: 16p13.3.
Variant type: single nucleotide variant.
Coding change: c.6227C>T on transcript NM_001009944.3 (MANE Select); coding-DNA position 6227, C replaced by T.
Protein change: p.Ser2076Leu; replaces serine 2076 with leucine.
Molecular consequence: missense variant.
Genome position (GRCh38, 1-based): chr16:2,108,940, G>A on the plus strand (C>T on the coding strand, the complement: PKD1 is on the minus strand). VCF-style: chr16-2108940-G-A. GRCh37 (hg19) VCF-style: chr16-2158941-G-A.
Other names: c.6227C>T (NM_000296.3); c.6227C>T, p.Ser2076Leu (NM_000296.4); short protein forms S2076L.
Identifiers: ClinVar variation 2635876 (VCV002635876.4), dbSNP rs758919000, ClinGen allele CA7831666.